The following is an entry in ClinVar:

NM_000256.3(MYBPC3):c.640G>A (p.Asp214Asn)

Gene: MYBPC3 (myosin binding protein C3; minus strand). Cytogenetic location: 11p11.2.
Variant type: single nucleotide variant.
Coding change: c.640G>A on transcript NM_000256.3 (MANE Select); coding-DNA position 640, G replaced by A.
Protein change: p.Asp214Asn; replaces aspartic acid 214 with asparagine.
Molecular consequence: missense variant.
Genome position (GRCh38, 1-based): chr11:47,349,788, C>T on the plus strand (G>A on the coding strand, the complement: MYBPC3 is on the minus strand). VCF-style: chr11-47349788-C-T. GRCh37 (hg19) VCF-style: chr11-47371339-C-T.
Other names: short protein forms D214N.
Identifiers: ClinVar variation 191705 (VCV000191705.24), dbSNP rs769167548, ClinGen allele CA015585.
Genomic context (GRCh38, chr11:47,349,788, plus strand): 5'-CTCCATGTCCCCTCTCTCCGTGTCTCCACGACCCCGGTGGACCCACCTTGCTGGCGCGGT[C>T]GTAGCTGTCGTGCAGCTGCAGGTGCTGGCCCACCTTGCTGCTCAGGTCCACCCATTTGCC-3'
Protein context (NP_000247.2, residues 204-224): GQHLQLHDSY[Asp214Asn]RASKVYLFEL

ClinVar aggregate classification (germline): Uncertain significance. Review status: criteria provided, multiple submitters, no conflicts (2 of 4 stars). 10 submissions from 10 submitters: Uncertain significance (7). 3 of the submissions do not count toward it. Last evaluated 2025-10-02.

Conditions:
Cardiovascular phenotype. Identifiers: MedGen CN230736.
Cardiomyopathy (CMYO). Also called: Cardiomyopathies. Identifiers: Orphanet 167848, MedGen C0878544, MONDO:0004994, HP:0001638. Inheritance: Various modes of inheritance.
Hypertrophic cardiomyopathy 4. Also called: Familial hypertrophic cardiomyopathy 4. Identifiers: MedGen C1861862, MONDO:0007268, OMIM 115197.
Hypertrophic cardiomyopathy. Also called: HYPERTROPHIC MYOCARDIOPATHY. Identifiers: Orphanet 217569, MedGen C0007194, MeSH D002312, MONDO:0005045, HP:0001639.

Allele frequency attached by ClinVar (database versions not stated): gnomAD exomes 0.00002 and 0.00003; gnomAD 0.00009 and 0.00008; ExAC 0.00004; TOPMed 0.00008.
gnomAD v4.1: 33 of 1,606,640 alleles (0.0021%); highest among the groups gnomAD compares: African/African-American, 0.024%; no homozygotes.

Submissions (10):

Ambry Genetics
Classification: Uncertain significance for Cardiovascular phenotype. Last evaluated: 2025-10-02. Review status: criteria provided, single submitter. Criteria: Ambry Variant Classification Scheme 2023. Collection method: clinical testing. Allele origin: germline.
Comment: The p.D214N variant (also known as c.640G>A), located in coding exon 5 of the MYBPC3 gene, results from a G to A substitution at nucleotide position 640. The aspartic acid at codon 214 is replaced by asparagine, an amino acid with highly similar properties. This alteration has been reported in association with hypertrophic cardiomyopathy (HCM) (Mademont-Soler I et al. PLoS One, 2017 Aug;12:e0181465). This alteration has also been reported as a secondary cardiac variant in an exome cohort; however, clinical details are limited (Ng D et al. Circ Cardiovasc Genet, 2013 Aug;6:337-46). This amino acid position is highly conserved in available vertebrate species. In addition, this alteration is predicted to be tolerated by in silico analysis. Since supporting evidence is limited at this time, the clinical significance of this alteration remains unclear.

Labcorp Genetics (formerly Invitae), Labcorp
Classification: Uncertain significance for Hypertrophic cardiomyopathy. Last evaluated: 2025-01-12. Review status: criteria provided, single submitter. Criteria: Invitae Variant Classification Sherloc (09022015). Collection method: clinical testing. Allele origin: germline.
Comment: This sequence change replaces aspartic acid, which is acidic and polar, with asparagine, which is neutral and polar, at codon 214 of the MYBPC3 protein (p.Asp214Asn). This variant is present in population databases (rs769167548, gnomAD 0.02%). This missense change has been observed in individual(s) with dilated cardiomyopathy and/or hypertrophic cardiomyopathy (PMID: 28771489, 30847666, 33782553, 37652022). ClinVar contains an entry for this variant (Variation ID: 191705). An algorithm developed to predict the effect of missense changes on protein structure and function (PolyPhen-2) suggests that this variant is likely to be disruptive. In summary, the available evidence is currently insufficient to determine the role of this variant in disease. Therefore, it has been classified as a Variant of Uncertain Significance.

Genomic Medicine Center of Excellence, King Faisal Specialist Hospital and Research Centre
Classification: Uncertain significance for Hypertrophic cardiomyopathy 4. Last evaluated: 2024-12-19. Review status: criteria provided, single submitter. Criteria: ACMG Guidelines, 2015. Collection method: clinical testing. Allele origin: germline.

Color Diagnostics, LLC DBA Color Health
Classification: Uncertain significance for Cardiomyopathy. Last evaluated: 2024-10-29. Review status: criteria provided, single submitter. Criteria: ACMG Guidelines, 2015. Collection method: clinical testing. Allele origin: germline.
Comment: This missense variant replaces aspartic acid with asparagine at codon 214 of the MYBPC3 protein. Computational prediction suggests that this variant may not impact protein structure and function. To our knowledge, functional studies have not been reported for this variant. This variant has been reported in individuals affected with hypertrophic cardiomyopathy (PMID: 28771489, 33782553). It has also been reported in an individual affected with dilated cardiomyopathy (PMID: 30847666); this individual also carried a pathogenic variant in the DSP gene. This variant has been identified in 9/273006 chromosomes in the general population by the Genome Aggregation Database (gnomAD). The available evidence is insufficient to determine the role of this variant in disease conclusively. Therefore, this variant is classified as a Variant of Uncertain Significance.

GeneDx
Classification: Uncertain significance. Last evaluated: 2024-02-12. Review status: criteria provided, single submitter. Criteria: GeneDx Variant Classification Process June 2021. Collection method: clinical testing. Allele origin: germline. Affected: yes.
Comment: Observed in individuals with hypertrophic cardiomyopathy in published literature (PMID: 28771489, 28518168); In silico analysis supports that this missense variant has a deleterious effect on protein structure/function; This variant is associated with the following publications: (PMID: 23861362, 28771489, 28518168, 33782553, 37652022)

All of Us Research Program, National Institutes of Health
Classification: Uncertain significance for Hypertrophic cardiomyopathy. Last evaluated: 2023-05-31. Review status: criteria provided, single submitter. Criteria: ACMG Guidelines, 2015. Collection method: clinical testing. Allele origin: germline. Inheritance: Autosomal dominant inheritance. Observed: 2 variant alleles, 2 heterozygotes.
Comment: This missense variant replaces aspartic acid with asparagine at codon 214 of the MYBPC3 protein. Computational prediction suggests that this variant may not impact protein structure and function (internally defined REVEL score threshold <= 0.5, PMID: 27666373). To our knowledge, functional studies have not been reported for this variant. This variant has been reported in individuals affected with hypertrophic cardiomyopathy (PMID: 28771489, 33782553). It has also been reported in an individual affected with dilated cardiomyopathy (PMID: 30847666); this individual also carried a pathogenic variant in the DSP gene that could explain the observed phenotype. This variant has been identified in 9/273006 chromosomes in the general population by the Genome Aggregation Database (gnomAD). The available evidence is insufficient to determine the role of this variant in disease conclusively. Therefore, this variant is classified as a Variant of Uncertain Significance.

This study involves interpretation of variants in research participants for the purpose of population health screening. Participant phenotype was not available at the time of variant classification. Additional details can be found in publication PMID: 35346344, PMCID: PMC8962531

Biesecker Lab/Clinical Genomics Section, National Institutes of Health
Classification: Uncertain significance. Last evaluated: 2013-06-24. Review status: criteria provided, single submitter. Criteria: Ng et al. (Circ Cardiovasc Genet. 2013). Collection method: research. Allele origin: unknown. Observed: 1 variant allele. Study: ClinSeq.
Comment: The study set was not selected for affection status in relation to any cancer. Pathogenicity categories were based on literature curation. See Pubmed ID:23861362 for details.

Medical sequencing

Clinical Genetics, Academic Medical Center
Classification: Uncertain significance. Review status: no assertion criteria provided. Collection method: clinical testing. Allele origin: germline. Affected: yes. Study: VKGL Data-share Consensus. Not counted in ClinVar's aggregate classification.

Joint Genome Diagnostic Labs from Nijmegen and Maastricht, Radboudumc and MUMC+
Classification: Uncertain significance. Review status: no assertion criteria provided. Collection method: clinical testing. Allele origin: germline. Affected: yes. Study: VKGL Data-share Consensus. Not counted in ClinVar's aggregate classification.

Laboratory of Genetics and Molecular Cardiology, University of São Paulo
Classification: Likely pathogenic for Hypertrophic cardiomyopathy 4. Review status: flagged submission. Criteria: LGCM Criteria August 2015. Collection method: clinical testing. Allele origin: germline. Inheritance: Autosomal dominant inheritance. Affected: yes. Observed: 1 variant allele. Study: Sarcomeric Human Cardiomyopathy Registry (ShaRe). Not counted in ClinVar's aggregate classification.
ClinVar note: Reason: Outlier claim with insufficient supporting evidence

Literature cited by the submitters: PubMed 23861362 (cited by Ambry Genetics); PubMed 28518168 (cited by Ambry Genetics); PubMed 28771489 (cited by 4 submitters); PubMed 30847666 (cited by 3 submitters); PubMed 33782553 (cited by 3 submitters); PubMed 37652022 (cited by Labcorp Genetics (formerly Invitae), Labcorp).